The following is an entry in ClinVar:

NM_020937.4(FANCM):c.4502A>G (p.Gln1501Arg)

Gene: FANCM (FA complementation group M; plus strand). Cytogenetic location: 14q21.2.
Variant type: single nucleotide variant.
Coding change: c.4502A>G on transcript NM_020937.4 (MANE Select); coding-DNA position 4502, A replaced by G.
Protein change: p.Gln1501Arg; replaces glutamine 1501 with arginine.
Molecular consequence: missense variant.
Genome position (GRCh38, 1-based): chr14:45,183,889, A>G. VCF-style: chr14-45183889-A-G. GRCh37 (hg19) VCF-style: chr14-45653092-A-G.
Other names: c.4424A>G, p.Gln1475Arg (NM_001308133.2); short protein forms Q1501R, Q1475R.
Identifiers: ClinVar variation 3848809 (VCV003848809.1).

ClinVar aggregate classification (germline): Uncertain significance (1 of 4 stars; one submission).

Conditions:
Inborn genetic diseases. Identifiers: MedGen C0950123, MeSH D030342.

gnomAD v4.1: 1 of 1,610,072 alleles (0.000062%); highest among the groups gnomAD compares: East Asian, 0.0022%; no homozygotes.

Submission:

Ambry Genetics
Classification: Uncertain significance for Inborn genetic diseases. Last evaluated: 2025-03-08. Review status: criteria provided, single submitter. Criteria: Ambry Variant Classification Scheme 2023. Collection method: clinical testing. Allele origin: germline.
Comment: The p.Q1501R variant (also known as c.4502A>G), located in coding exon 17 of the FANCM gene, results from an A to G substitution at nucleotide position 4502. The glutamine at codon 1501 is replaced by arginine, an amino acid with highly similar properties. This amino acid position is conserved. In addition, this alteration is predicted to be tolerated by in silico analysis. Based on the available evidence, the clinical significance of this variant remains unclear.